The following is an entry in ClinVar:

ClinVar aggregate classification (germline): Uncertain significance (1 of 4 stars; one submission).

Conditions:
Maple syrup urine disease (MSUD). Identifiers: Orphanet 511, MedGen C0024776, MeSH D008375, MONDO:0009563. Disease mechanism: loss of function.

Submission:

Labcorp Genetics (formerly Invitae), Labcorp
Classification: Uncertain significance for Maple syrup urine disease. Last evaluated: 2019-06-13. Review status: criteria provided, single submitter. Criteria: Invitae Variant Classification Sherloc (09022015). Collection method: clinical testing. Allele origin: germline.
Comment: This sequence change replaces proline with arginine at codon 323 of the BCKDHA protein (p.Pro323Arg). The proline residue is highly conserved and there is a moderate physicochemical difference between proline and arginine. This variant is not present in population databases (ExAC no frequency). This variant has not been reported in the literature in individuals with BCKDHA-related conditions. Algorithms developed to predict the effect of missense changes on protein structure and function (SIFT, PolyPhen-2, Align-GVGD) all suggest that this variant is likely to be disruptive, but these predictions have not been confirmed by published functional studies and their clinical significance is uncertain. In summary, the available evidence is currently insufficient to determine the role of this variant in disease. Therefore, it has been classified as a Variant of Uncertain Significance.

NM_000709.4(BCKDHA):c.968C>G (p.Pro323Arg)

Gene: BCKDHA (branched chain keto acid dehydrogenase E1 subunit alpha; plus strand). Cytogenetic location: 19q13.2.
Variant type: single nucleotide variant.
Coding change: c.968C>G on transcript NM_000709.4 (MANE Select); coding-DNA position 968, C replaced by G.
Protein change: p.Pro323Arg; replaces proline 323 with arginine.
Molecular consequence: missense variant.
Genome position (GRCh38, 1-based): chr19:41,422,743, C>G. VCF-style: chr19-41422743-C-G. GRCh37 (hg19) VCF-style: chr19-41928648-C-G.
Other names: c.965C>G, p.Pro322Arg (NM_001164783.2); short protein forms P322R, P323R.
Identifiers: ClinVar variation 945488 (VCV000945488.1), dbSNP rs779466371, ClinGen allele CA406013490.